The following is an entry in ClinVar:

NM_153332.4(ERI1):c.435T>A (p.Pro145=)

Gene: ERI1 (exoribonuclease 1). Cytogenetic location: 8p23.1.
Variant type: single nucleotide variant.
Coding change: c.435T>A on transcript NM_153332.4 (MANE Select); coding-DNA position 435, T replaced by A.
Protein change: p.Pro145=; no amino-acid change (proline 145 retained).
Molecular consequence: synonymous variant.
Genome position (GRCh38, 1-based): chr8:9,011,689, T>A. VCF-style: chr8-9011689-T-A. GRCh37 (hg19) VCF-style: chr8-8869199-T-A.
Other names: c.201T>A, p.Pro67= (NM_001354635.2); c.90T>A, p.Pro30= (NM_001354636.2); c.435T>A, p.Pro145= (NM_001354638.2).
Identifiers: ClinVar variation 3052423 (VCV003052423.15), dbSNP rs9650616, ClinGen allele CA4619806.

ClinVar aggregate classification (germline): Likely benign. Review status: criteria provided, single submitter (1 of 4 stars). 2 submissions from 2 submitters: Likely benign (1). 1 of the submissions does not count toward it. Last evaluated 2026-02-01.

Conditions:
ERI1-related disorder. Also called: ERI1-related condition.

gnomAD v4.1: 451 of 1,612,610 alleles (0.028%); highest among the groups gnomAD compares: Non-Finnish European, 0.035%; no homozygotes.

Submissions (2):

CeGaT Center for Human Genetics Tuebingen
Classification: Likely benign. Last evaluated: 2026-02-01. Review status: criteria provided, single submitter. Criteria: CeGaT Center For Human Genetics Tuebingen Variant Classification Criteria Version 2. Collection method: clinical testing. Allele origin: germline. Affected: yes. Observed: 3 variant alleles.
Comment: ERI1: BP4, BP7

PreventionGenetics, part of Exact Sciences
Classification: Likely benign for ERI1-related condition. Last evaluated: 2019-08-14. Review status: no assertion criteria provided. Collection method: clinical testing. Allele origin: germline. Not counted in ClinVar's aggregate classification.
Comment: This variant is classified as likely benign based on ACMG/AMP sequence variant interpretation guidelines (Richards et al. 2015 PMID: 25741868, with internal and published modifications).